The following is an entry in ClinVar:

ClinVar aggregate classification (germline): Uncertain significance (1 of 4 stars; one submission).

Conditions:
Primary dilated cardiomyopathy (DCM). Also called: Dilated Cardiomyopathy. Identifiers: Orphanet 217604, MedGen C0007193, MeSH D002311, MONDO:0005021, HP:0001644. Inheritance: Various modes of inheritance.
Hypertrophic cardiomyopathy. Also called: HYPERTROPHIC MYOCARDIOPATHY. Identifiers: Orphanet 217569, MedGen C0007194, MeSH D002312, MONDO:0005045, HP:0001639.

Submission:

Labcorp Genetics (formerly Invitae), Labcorp
Classification: Uncertain significance for Hypertrophic cardiomyopathy; Primary dilated cardiomyopathy. Last evaluated: 2025-06-29. Review status: criteria provided, single submitter. Criteria: Invitae Variant Classification Sherloc (09022015). Collection method: clinical testing. Allele origin: germline.
Comment: This sequence change replaces proline, which is neutral and non-polar, with asparagine, which is neutral and polar, at codon 315 of the PDLIM3 protein (p.Pro315Asn). This variant is present in population databases (no rsID available, gnomAD 0.0008%). This variant has not been reported in the literature in individuals affected with PDLIM3-related conditions. An algorithm developed to predict the effect of missense changes on protein structure and function (PolyPhen-2) suggests that this variant is likely to be disruptive. In summary, the available evidence is currently insufficient to determine the role of this variant in disease. Therefore, it has been classified as a Variant of Uncertain Significance.

NM_014476.6(PDLIM3):c.943_944delinsAA (p.Pro315Asn)

Gene: PDLIM3 (PDZ and LIM domain 3; minus strand). Cytogenetic location: 4q35.1.
Variant type: Indel.
Coding change: c.943_944delinsAA on transcript NM_014476.6 (MANE Select); coding-DNA positions 943 to 944, CC replaced by AA.
Protein change: p.Pro315Asn; replaces proline 315 with asparagine.
Molecular consequence: missense variant. On other transcripts: non-coding transcript variant (1).
Genome position (GRCh38, 1-based): chr4:185,502,445-185,502,446, GG replaced by TT on the plus strand (CC replaced by AA on the coding strand, the reverse complement: PDLIM3 is on the minus strand). VCF-style: chr4-185502445-GG-TT. GRCh37 (hg19) VCF-style: chr4-186423599-GG-TT.
Other names: c.799_800delinsAA, p.Pro267Asn (NM_001114107.5); c.679_680delinsAA, p.Pro227Asn (NM_001257962.2); c.442_443delinsAA, p.Pro148Asn (NM_001257963.2); short protein forms P148N, P227N, P267N, P315N.
Identifiers: ClinVar variation 4783422 (VCV004783422.1).